The following is an entry in ClinVar:

ClinVar aggregate classification (germline): Uncertain significance (1 of 4 stars; one submission).

Conditions:
Rhabdoid tumor predisposition syndrome 2 (RTPS2). Identifiers: Orphanet 231108, Orphanet 69077, MedGen C2750074, MONDO:0013224, OMIM 613325.

Submission:

Labcorp Genetics (formerly Invitae), Labcorp
Classification: Uncertain significance for Rhabdoid tumor predisposition syndrome 2. Last evaluated: 2024-04-30. Review status: criteria provided, single submitter. Criteria: Invitae Variant Classification Sherloc (09022015). Collection method: clinical testing. Allele origin: germline.
Comment: This sequence change replaces isoleucine, which is neutral and non-polar, with asparagine, which is neutral and polar, at codon 1629 of the SMARCA4 protein (p.Ile1629Asn). This variant is not present in population databases (gnomAD no frequency). This variant has not been reported in the literature in individuals affected with SMARCA4-related conditions. ClinVar contains an entry for this variant (Variation ID: 2109888). Advanced modeling of protein sequence and biophysical properties (such as structural, functional, and spatial information, amino acid conservation, physicochemical variation, residue mobility, and thermodynamic stability) performed at Invitae indicates that this missense variant is expected to disrupt SMARCA4 protein function with a positive predictive value of 95%. In summary, the available evidence is currently insufficient to determine the role of this variant in disease. Therefore, it has been classified as a Variant of Uncertain Significance.

NM_003072.5(SMARCA4):c.4790T>A (p.Ile1597Asn)

Gene: SMARCA4 (SWI/SNF related BAF chromatin remodeling complex subunit ATPase 4; plus strand). Cytogenetic location: 19p13.2.
Variant type: single nucleotide variant.
Coding change: c.4790T>A on transcript NM_003072.5 (MANE Select); coding-DNA position 4790, T replaced by A.
Protein change: p.Ile1597Asn; replaces isoleucine 1597 with asparagine.
Molecular consequence: missense variant. On other transcripts: non-coding transcript variant (1).
Genome position (GRCh38, 1-based): chr19:11,060,066, T>A. VCF-style: chr19-11060066-T-A. GRCh37 (hg19) VCF-style: chr19-11170742-T-A.
Other names: c.4790T>A, p.Ile1597Asn (NM_001128844.3); c.4700T>A, p.Ile1567Asn (NM_001128845.2); c.4697T>A, p.Ile1566Asn (NM_001128846.2); c.4691T>A, p.Ile1564Asn (NM_001128847.4, NM_001374457.1); c.4688T>A, p.Ile1563Asn (NM_001128848.2); c.4886T>A, p.Ile1629Asn (NM_001128849.3, NM_001387283.1); c.4787T>A, p.Ile1596Asn (NM_001411150.1); short protein forms I1597N, I1563N, I1564N, I1566N, I1567N, I1596N, I1629N.
Identifiers: ClinVar variation 2109888 (VCV002109888.4), dbSNP rs2147123907, ClinGen allele CA404080344.